The following is an entry in ClinVar:

NM_000059.4(BRCA2):c.6150_6153dup (p.Ser2052fs)

Gene: BRCA2 (BRCA2 DNA repair associated; plus strand). Cytogenetic location: 13q13.1.
Variant type: Duplication.
Coding change: c.6150_6153dup on transcript NM_000059.4 (MANE Select); coding-DNA positions 6150 to 6153, 4 bases duplicated (AAAT; older notation c.6150_6153dupAAAT).
Protein change: p.Ser2052fs; shifts the reading frame from serine 2052.
Molecular consequence: frameshift variant. On other transcripts: non-coding transcript variant (1), intron variant (2).
Genome position (GRCh38, 1-based): chr13:32,340,505-32,340,508, AAAT duplicated; duplicating any 4 consecutive bases within chr13:32,340,504-32,340,508 gives the same sequence; the c. name uses the placement nearest the transcript's 3' end. VCF-style (leftmost placement, unchanged base first): chr13-32340503-G-GTAAA. GRCh37 (hg19) VCF-style: chr13-32914640-G-GTAAA.
Other names: c.6150_6153dup, p.Ser2052fs (NM_001406719.1, NM_001406720.1); c.1910-4053_1910-4050dup (NM_001406721.1); c.425-4053_425-4050dup (NM_001406722.1); short protein forms S2052fs.
Identifiers: ClinVar variation 3068360 (VCV003068360.1), dbSNP rs2548532680, ClinGen allele CA2825002110.

ClinVar aggregate classification (germline): Pathogenic (1 of 4 stars; one submission).

Conditions:
Breast-ovarian cancer, familial, susceptibility to, 2 (BROVCA2). Also called: BRCA2 Hereditary Breast and Ovarian Cancer. Identifiers: Orphanet 145, MedGen C2675520, MONDO:0012933, OMIM 612555. Disease mechanism: loss of function.

Submission:

MVZ Medizinische Genetik Mainz
Classification: Pathogenic for Breast-ovarian cancer, familial, susceptibility to, 2. Last evaluated: 2023-08-17. Review status: criteria provided, single submitter. Criteria: UK Practice Guidelines For Variant Classification V4 01 2020. Collection method: clinical testing. Allele origin: germline. Inheritance: Autosomal dominant inheritance. Affected: yes. Observed: 1 variant allele.
Comment: ACMG Criteria: PVS1,PM2_SUP_MOD